The following is an entry in ClinVar:

NM_001375808.2(LPIN2):c.1487A>G (p.His496Arg)

Gene: LPIN2 (lipin 2; minus strand). Cytogenetic location: 18p11.31.
Variant type: single nucleotide variant.
Coding change: c.1487A>G on transcript NM_001375808.2 (MANE Select); coding-DNA position 1487, A replaced by G.
Protein change: p.His496Arg; replaces histidine 496 with arginine.
Molecular consequence: missense variant.
Genome position (GRCh38, 1-based): chr18:2,929,128, T>C on the plus strand (A>G on the coding strand, the complement: LPIN2 is on the minus strand). VCF-style: chr18-2929128-T-C. GRCh37 (hg19) VCF-style: chr18-2929126-T-C.
Other names: c.1487A>G, p.His496Arg (NM_001375809.1, NM_014646.2); short protein forms H496R.
Identifiers: ClinVar variation 1003968 (VCV001003968.8), dbSNP rs759229367, ClinGen allele CA8873080.

ClinVar aggregate classification (germline): Uncertain significance. Review status: criteria provided, multiple submitters, no conflicts (2 of 4 stars). 3 submissions from 3 submitters: Uncertain significance (3). Last evaluated 2023-10-20.

Conditions:
Inborn genetic diseases. Identifiers: MedGen C0950123, MeSH D030342.
Majeed syndrome (MJDS). Also called: CHRONIC RECURRENT MULTIFOCAL OSTEOMYELITIS 1, WITH CONGENITAL DYSERYTHROPOIETIC ANEMIA, WITH OR WITHOUT NEUTROPHILIC DERMATOSIS; LPIN2-Related Majeed Syndrome. Identifiers: Orphanet 77297, MedGen C1864997, MONDO:0012316, OMIM 609628.

Allele frequency attached by ClinVar (database versions not stated): gnomAD exomes 0.00001 and 0.00006; TOPMed 0.00001; gnomAD 0.00002 and 0.00003; ExAC 0.00004.
gnomAD v4.1: 20 of 1,606,336 alleles (0.0012%); highest among the groups gnomAD compares: East Asian, 0.045%; no homozygotes.

Submissions (3):

Ambry Genetics
Classification: Uncertain significance for Inborn genetic diseases. Last evaluated: 2023-10-20. Review status: criteria provided, single submitter. Criteria: Ambry Variant Classification Scheme 2023. Collection method: clinical testing. Allele origin: germline.

ARUP Laboratories, Molecular Genetics and Genomics, ARUP Laboratories
Classification: Uncertain significance for Majeed syndrome. Last evaluated: 2023-09-20. Review status: criteria provided, single submitter. Criteria: ARUP Molecular Germline Variant Investigation Process 2024. Collection method: clinical testing. Allele origin: germline.
Comment: The LPIN2 c.1487A>G; p.His496Argvariant (rs759229367), to our knowledge, is not reported in the medical literature but is reported in ClinVar (Variation ID: 1003968). This variant is found in the East Asian population with an allele frequency of 0.08% (16/19954 alleles) in the Genome Aggregation Database. Computational analyses are uncertain whether this variant is neutral or deleterious (REVEL: 0.379). Due to limited information, the clinical significance of this variant is uncertain at this time.

Labcorp Genetics (formerly Invitae), Labcorp
Classification: Uncertain significance for Majeed syndrome. Last evaluated: 2021-08-31. Review status: criteria provided, single submitter. Criteria: Invitae Variant Classification Sherloc (09022015). Collection method: clinical testing. Allele origin: germline.
Comment: This sequence change replaces histidine with arginine at codon 496 of the LPIN2 protein (p.His496Arg). The histidine residue is moderately conserved and there is a small physicochemical difference between histidine and arginine. This variant is present in population databases (rs759229367, ExAC 0.06%). This variant has not been reported in the literature in individuals affected with LPIN2-related conditions. Algorithms developed to predict the effect of missense changes on protein structure and function (SIFT, PolyPhen-2, Align-GVGD) all suggest that this variant is likely to be tolerated. In summary, the available evidence is currently insufficient to determine the role of this variant in disease. Therefore, it has been classified as a Variant of Uncertain Significance.